The following is an entry in ClinVar:

ClinVar aggregate classification (germline): Likely benign (1 of 4 stars; one submission).

Submission:

CeGaT Center for Human Genetics Tuebingen
Classification: Likely benign. Last evaluated: 2022-10-01. Review status: criteria provided, single submitter. Criteria: CeGaT Center For Human Genetics Tuebingen Variant Classification Criteria Version 2. Collection method: clinical testing. Allele origin: germline. Affected: yes. Observed: 1 variant allele.
Comment: TSGA10: BP4

NM_025244.4(TSGA10):c.1108-6del

Gene: TSGA10 (testis specific 10; minus strand). Cytogenetic location: 2q11.2.
Variant type: Deletion.
Coding change: c.1108-6del on transcript NM_025244.4 (MANE Select); 6 bases into the intron before coding-DNA position 1108, one base deleted (T; older notation c.1108-6delT).
Molecular consequence: intron variant.
Genome position (GRCh38, 1-based): chr2:99,069,004, A deleted on the plus strand (T on the coding strand, the reverse complement: TSGA10 is on the minus strand); the first of 7 consecutive A bases (chr2:99,069,004-99,069,010); deleting any one gives the same sequence. VCF-style (leftmost placement, unchanged base first): chr2-99069003-GA-G. GRCh37 (hg19) VCF-style: chr2-99685466-GA-G.
Other names: c.781-6del (NM_001349013.2, NM_001349014.1); c.1108-6del (NM_182911.4, NM_001349012.1).
Identifiers: ClinVar variation 2651181 (VCV002651181.24), dbSNP rs369236689, ClinGen allele CA1796776.
Genomic context (GRCh38, chr2:99,069,003, plus strand): 5'-TTCTGTTTTATGTCATTAAGTTCATTATGAGTGTCATTCAATTTTTTGGACAGTGCCTAC[GA>G]AAAAAAGATAGGTATATTTGACTATGAAAAATAAAAAATTTCTATATCTCAAAAATACCA-3'